The following is an entry in ClinVar:

ClinVar aggregate classification (germline): Likely benign (0 of 4 stars; one submission).

Conditions:
Kabuki syndrome 1 (KABUK1). Also called: KMT2D-Related Kabuki Syndrome. Identifiers: Orphanet 2322, MedGen CN030661, MONDO:0007843, OMIM 147920.

Allele frequency attached by ClinVar (database versions not stated): gnomAD exomes below 0.00001.
gnomAD v4.1: 1 of 1,611,964 alleles (0.000062%); highest among the groups gnomAD compares: South Asian, 0.0011%; no homozygotes.

Submission:

Molecular Genetics Laboratory, London Health Sciences Centre
Classification: Likely benign for Kabuki syndrome 1. Last evaluated: 2019-04-30. Review status: no assertion criteria provided. Collection method: clinical testing. Allele origin: paternal. Inheritance: Autosomal dominant inheritance. Affected: yes. Observed: 2 variant alleles, 2 heterozygotes.
Comment: We interpret this variant as likely benign.

NM_003482.4(KMT2D):c.12935C>T (p.Ser4312Phe)

Gene: KMT2D (lysine methyltransferase 2D; minus strand). Cytogenetic location: 12q13.12.
Variant type: single nucleotide variant.
Coding change: c.12935C>T on transcript NM_003482.4 (MANE Select); coding-DNA position 12935, C replaced by T.
Protein change: p.Ser4312Phe; replaces serine 4312 with phenylalanine.
Molecular consequence: missense variant.
Genome position (GRCh38, 1-based): chr12:49,031,770, G>A on the plus strand (C>T on the coding strand, the complement: KMT2D is on the minus strand). VCF-style: chr12-49031770-G-A. GRCh37 (hg19) VCF-style: chr12-49425553-G-A.
Other names: short protein forms S4312F.
Identifiers: ClinVar variation 631483 (VCV000631483.3), dbSNP rs1565772915, ClinGen allele CA384708456.
Genomic context (GRCh38, chr12:49,031,770, plus strand): 5'-GTGGGAAGCTGGGAGCTGGGGGAAGGTAATTGTGAAGGTCTCTTTGGCTCTTGAGGGCTG[G>A]ATGGTGGAGGTGTGGGATGGACAGGGCCAAGGACTGGTCCTGTAGATAAGGCTCCTGGTG-3'
Protein context (NP_003473.3, residues 4302-4322): LGPVHPTPPP[Ser4312Phe]SPQEPKRPSQ